The following is an entry in ClinVar:

ClinVar aggregate classification (germline): Uncertain significance (1 of 4 stars; one submission).

Conditions:
RASopathy. Also called: Noonan spectrum disorder; rasopathies. Identifiers: Orphanet 536391, MedGen C5555857, MONDO:0021060.

Submission:

Labcorp Genetics (formerly Invitae), Labcorp
Classification: Uncertain significance for RASopathy. Last evaluated: 2023-06-02. Review status: criteria provided, single submitter. Criteria: Invitae Variant Classification Sherloc (09022015). Collection method: clinical testing. Allele origin: germline.
Comment: In summary, the available evidence is currently insufficient to determine the role of this variant in disease. Therefore, it has been classified as a Variant of Uncertain Significance. Advanced modeling of protein sequence and biophysical properties (such as structural, functional, and spatial information, amino acid conservation, physicochemical variation, residue mobility, and thermodynamic stability) performed at Invitae indicates that this missense variant is expected to disrupt SOS1 protein function. This variant has not been reported in the literature in individuals affected with SOS1-related conditions. This variant is not present in population databases (gnomAD no frequency). This sequence change replaces lysine, which is basic and polar, with isoleucine, which is neutral and non-polar, at codon 724 of the SOS1 protein (p.Lys724Ile).

NM_005633.4(SOS1):c.2171A>T (p.Lys724Ile)

Gene: SOS1 (SOS Ras/Rac guanine nucleotide exchange factor 1; minus strand). Cytogenetic location: 2p22.1.
Variant type: single nucleotide variant.
Coding change: c.2171A>T on transcript NM_005633.4 (MANE Select); coding-DNA position 2171, A replaced by T.
Protein change: p.Lys724Ile; replaces lysine 724 with isoleucine.
Molecular consequence: missense variant.
Genome position (GRCh38, 1-based): chr2:39,012,345, T>A on the plus strand (A>T on the coding strand, the complement: SOS1 is on the minus strand). VCF-style: chr2-39012345-T-A. GRCh37 (hg19) VCF-style: chr2-39239486-T-A.
Other names: c.2150A>T, p.Lys717Ile (NM_001382394.1); c.2171A>T, p.Lys724Ile (NM_001382395.1); short protein forms K724I, K717I.
Identifiers: ClinVar variation 2756947 (VCV002756947.3), dbSNP rs2528993179, ClinGen allele CA346364479.
Genomic context (GRCh38, chr2:39,012,345, plus strand): 5'-CTTGCAATTTTTTTCCTTTGGATTATTTTAGTGATGGATTCAACCCATTTTTTCATTGCT[T>A]TACCTGCAATACATTATATTTTAAATAACATTTAAATATTCTTTATTTAATATTTTATAT-3'
Protein context (NP_005624.2, residues 714-734): MEEFIGTVRG[Lys724Ile]AMKKWVESIT